The following is an entry in ClinVar:

NM_005204.4(MAP3K8):c.1117C>G (p.Pro373Ala)

Gene: MAP3K8 (mitogen-activated protein kinase kinase kinase 8; plus strand). Cytogenetic location: 10p11.23.
Variant type: single nucleotide variant.
Coding change: c.1117C>G on transcript NM_005204.4 (MANE Select); coding-DNA position 1117, C replaced by G.
Protein change: p.Pro373Ala; replaces proline 373 with alanine.
Molecular consequence: missense variant.
Genome position (GRCh38, 1-based): chr10:30,459,345, C>G. VCF-style: chr10-30459345-C-G. GRCh37 (hg19) VCF-style: chr10-30748274-C-G.
Other names: c.1117C>G, p.Pro373Ala (NM_001244134.1, NM_001320961.2); short protein forms P373A.
Identifiers: ClinVar variation 4773735 (VCV004773735.1).

ClinVar aggregate classification (germline): Uncertain significance (1 of 4 stars; one submission).

Submission:

Labcorp Genetics (formerly Invitae), Labcorp
Classification: Uncertain significance. Last evaluated: 2025-03-21. Review status: criteria provided, single submitter. Criteria: Invitae Variant Classification Sherloc (09022015). Collection method: clinical testing. Allele origin: germline.
Comment: This sequence change replaces proline, which is neutral and non-polar, with alanine, which is neutral and non-polar, at codon 373 of the MAP3K8 protein (p.Pro373Ala). This variant is not present in population databases (gnomAD no frequency). This variant has not been reported in the literature in individuals affected with MAP3K8-related conditions. An algorithm developed to predict the effect of missense changes on protein structure and function (PolyPhen-2) suggests that this variant is likely to be disruptive. In summary, the available evidence is currently insufficient to determine the role of this variant in disease. Therefore, it has been classified as a Variant of Uncertain Significance.